The following is an entry in ClinVar:

NM_001080414.4(CCDC88C):c.1927G>T (p.Glu643Ter)

Gene: CCDC88C (coiled-coil and HOOK domain protein 88C; minus strand). Cytogenetic location: 14q32.11.
Variant type: single nucleotide variant.
Coding change: c.1927G>T on transcript NM_001080414.4 (MANE Select); coding-DNA position 1927, G replaced by T.
Protein change: p.Glu643Ter; replaces glutamic acid 643 with a stop codon.
Molecular consequence: nonsense.
Genome position (GRCh38, 1-based): chr14:91,313,889, C>A on the plus strand (G>T on the coding strand, the complement: CCDC88C is on the minus strand). VCF-style: chr14-91313889-C-A. GRCh37 (hg19) VCF-style: chr14-91780233-C-A.
Other names: short protein forms E643*.
Identifiers: ClinVar variation 2848691 (VCV002848691.3), dbSNP rs779101769, ClinGen allele CA390632639.

ClinVar aggregate classification (germline): Pathogenic (1 of 4 stars; one submission).

Submission:

Labcorp Genetics (formerly Invitae), Labcorp
Classification: Pathogenic. Last evaluated: 2023-03-29. Review status: criteria provided, single submitter. Criteria: Invitae Variant Classification Sherloc (09022015). Collection method: clinical testing. Allele origin: germline.
Comment: This sequence change creates a premature translational stop signal (p.Glu643*) in the CCDC88C gene. It is expected to result in an absent or disrupted protein product. Loss-of-function variants in CCDC88C are known to be pathogenic (PMID: 23042809, 29225145). For these reasons, this variant has been classified as Pathogenic. This variant has not been reported in the literature in individuals affected with CCDC88C-related conditions. This variant is not present in population databases (gnomAD no frequency).

Literature cited by the submitters: PubMed 23042809; PubMed 29225145.